The following is an entry in ClinVar:

NM_004628.5(XPC):c.2437G>A (p.Val813Ile)

Gene: XPC (XPC complex subunit, DNA damage recognition and repair factor; minus strand). Cytogenetic location: 3p25.1.
Variant type: single nucleotide variant.
Coding change: c.2437G>A on transcript NM_004628.5 (MANE Select); coding-DNA position 2437, G replaced by A.
Protein change: p.Val813Ile; replaces valine 813 with isoleucine.
Molecular consequence: missense variant. On other transcripts: non-coding transcript variant (2).
Genome position (GRCh38, 1-based): chr3:14,147,985, C>T on the plus strand (G>A on the coding strand, the complement: XPC is on the minus strand). VCF-style: chr3-14147985-C-T. GRCh37 (hg19) VCF-style: chr3-14189485-C-T.
Other names: p.Val813Ile; c.1858G>A, p.Val620Ile (NM_001354726.2); c.2431G>A, p.Val811Ile (NM_001354727.2); c.2419G>A, p.Val807Ile (NM_001354729.2); c.2191G>A, p.Val731Ile (NM_001354730.2); short protein forms V620I, V731I, V807I, V811I, V813I.
Identifiers: ClinVar variation 1319093 (VCV001319093.6), dbSNP rs371576722, ClinGen allele CA2267133.

ClinVar aggregate classification (germline): Conflicting classifications of pathogenicity. Review status: criteria provided, conflicting classifications (1 of 4 stars). 3 submissions from 3 submitters: Likely pathogenic (1); Uncertain significance (2). Last evaluated 2022-06-02.

Conditions:
Ovarian cancer. Also called: OVARIAN CANCER, SOMATIC. Identifiers: Orphanet 213500, MedGen C1140680, MONDO:0008170, OMIM 167000.

Allele frequency attached by ClinVar (database versions not stated): gnomAD 0.00002 and 0.00003; TOPMed 0.00003; gnomAD exomes 0.00005; ExAC 0.00009; ESP Exome Variant Server 0.00016.
gnomAD v4.1: 54 of 1,590,108 alleles (0.0034%); highest among the groups gnomAD compares: Middle Eastern, 0.017%; no homozygotes.

Submissions (3):

Mayo Clinic Laboratories, Mayo Clinic
Classification: Uncertain significance. Last evaluated: 2022-06-02. Review status: criteria provided, single submitter. Criteria: ACMG Guidelines, 2015. Collection method: clinical testing. Allele origin: germline. Observed: 1 variant allele.
Comment: BP4

Laboratory of Molecular Epidemiology of Birth Defects, West China Second University Hospital, Sichuan University
Classification: Likely pathogenic for Ovarian cancer. Last evaluated: 2022-01-01. Review status: criteria provided, single submitter. Criteria: ACMG Guidelines, 2015. Collection method: clinical testing. Allele origin: germline. Affected: yes.

Institute for Clinical Genetics, University Hospital TU Dresden, University Hospital TU Dresden
Classification: Uncertain significance. Last evaluated: 2021-11-03. Review status: criteria provided, single submitter. Criteria: ACMG Guidelines, 2015. Collection method: clinical testing. Allele origin: germline.